The following is an entry in ClinVar:

NM_144991.3(TSPEAR):c.1594_1595insA (p.Phe532fs)

Genes: TSPEAR (thrombospondin type laminin G domain and EAR repeats; minus strand), TSPEAR-AS1 (TSPEAR antisense RNA 1; plus strand), LOC126653398 (CDK7 strongly-dependent group 2 enhancer GRCh37_chr21:45928270-45929469; plus strand). Cytogenetic location: 21q22.3.
Variant type: Insertion.
Coding change: c.1594_1595insA on transcript NM_144991.3 (MANE Select); coding-DNA positions 1594 to 1595, A inserted.
Protein change: p.Phe532fs; shifts the reading frame from phenylalanine 532.
Molecular consequence: frameshift variant. On other transcripts: non-coding transcript variant (1).
Genome position: GRCh38 VCF-style: chr21-44509358-A-AT. GRCh37 (hg19) VCF-style: chr21-45929241-A-AT.
Other names: p.Phe532TyrfsTer26; c.1390_1391insA, p.Phe464fs (NM_001272037.2); short protein forms F464fs, F532fs.
Identifiers: ClinVar variation 2664284 (VCV002664284.2), dbSNP rs2517308888.

ClinVar aggregate classification (germline): Likely pathogenic (1 of 4 stars; one submission).

Conditions:
Ectodermal dysplasia 14, hair/tooth type with or without hypohidrosis. Identifiers: Orphanet 685067, MedGen C4748560, MONDO:0032584, OMIM 618180.

Submission:

Hacettepe Pediatric Genetics Laboratory, Hacettepe University
Classification: Likely pathogenic for Ectodermal dysplasia 14, hair/tooth type with or without hypohidrosis. Last evaluated: 2023-11-28. Review status: criteria provided, single submitter. Criteria: ACMG Guidelines, 2015. Collection method: clinical testing. Allele origin: germline. Inheritance: Autosomal recessive inheritance. Affected: yes. Observed: 2 homozygotes. Clinical features observed: Oligodontia (HP:0000677), Patchy alopecia (HP:0002232), Hypertelorism (HP:0000316).
Comment: Molecular analysis of the TSPEAR gene identified a novel homozygous frameshift variant (c.1594_1595insA, p.Phe532TyrfsTer26) in two patients who clinically diagnosed with Ectodermal dysplasia 14, hair/tooth type with or without hypohidrosis; ECTD14 syndrome. This variant was neither found in ExAC nor 1000G. This change was classified as “ likely pathogenic” according to the ACMG guidelines and predicted to be disease causing by in silico analysis such as MutationTaster.